The following is an entry in ClinVar:

NM_005632.3(CAPN15):c.2327A>C (p.Glu776Ala)

Gene: CAPN15 (calpain 15; plus strand). Cytogenetic location: 16p13.3.
Variant type: single nucleotide variant.
Coding change: c.2327A>C on transcript NM_005632.3 (MANE Select); coding-DNA position 2327, A replaced by C.
Protein change: p.Glu776Ala; replaces glutamic acid 776 with alanine.
Molecular consequence: missense variant.
Genome position (GRCh38, 1-based): chr16:551,646, A>C. VCF-style: chr16-551646-A-C. GRCh37 (hg19) VCF-style: chr16-601646-A-C.
Other names: short protein forms E776A.
Identifiers: ClinVar variation 3263207 (VCV003263207.3).

ClinVar aggregate classification (germline): Uncertain significance. Review status: criteria provided, multiple submitters, no conflicts (2 of 4 stars). 3 submissions from 3 submitters: Uncertain significance (3). Last evaluated 2024-07-26.

Conditions:
Oculogastrointestinal-neurodevelopmental syndrome. Identifiers: Orphanet 611201, MedGen C5543355, MONDO:0036189, OMIM 619318.

Submissions (3):

Laboratorio de Genetica e Diagnostico Molecular, Hospital Israelita Albert Einstein
Classification: Uncertain significance for Oculogastrointestinal-neurodevelopmental syndrome. Last evaluated: 2024-07-26. Review status: criteria provided, single submitter. Criteria: ACMG Guidelines, 2015. Collection method: clinical testing. Allele origin: germline. Affected: yes.
Comment: ACMG classification criteria: PM2 supporting, PP3 supporting

Ambry Genetics
Classification: Uncertain significance. Last evaluated: 2024-04-19. Review status: criteria provided, single submitter. Criteria: Ambry Variant Classification Scheme 2023. Collection method: clinical testing. Allele origin: germline.

GeneDx
Classification: Uncertain significance. Last evaluated: 2024-02-20. Review status: criteria provided, single submitter. Criteria: GeneDx Variant Classification Process June 2021. Collection method: clinical testing. Allele origin: germline. Affected: yes.
Comment: In silico analysis supports that this missense variant does not alter protein structure/function; Has not been previously published as pathogenic or benign to our knowledge